The following is an entry in ClinVar:

ClinVar aggregate classification (germline): Likely benign. Review status: criteria provided, single submitter (1 of 4 stars). 2 submissions from 2 submitters: Likely benign (1). 1 of the submissions does not count toward it. Last evaluated 2025-11-03.

Conditions:
HPS5-related disorder. Also called: HPS5-related condition.

Allele frequency attached by ClinVar (database versions not stated): gnomAD 0.00004; TOPMed 0.00006; ESP Exome Variant Server 0.00015; 1000 Genomes Project 30x 0.00016; 1000 Genomes Project 0.00020.
gnomAD v4.1: 9 of 1,614,070 alleles (0.00056%); highest among the groups gnomAD compares: African/African-American, 0.011%; no homozygotes.

Submissions (2):

Labcorp Genetics (formerly Invitae), Labcorp
Classification: Likely benign. Last evaluated: 2025-11-03. Review status: criteria provided, single submitter. Criteria: Invitae Variant Classification Sherloc (09022015). Collection method: clinical testing. Allele origin: germline.

PreventionGenetics, part of Exact Sciences
Classification: Likely benign for HPS5-related condition. Last evaluated: 2019-09-30. Review status: no assertion criteria provided. Collection method: clinical testing. Allele origin: germline. Not counted in ClinVar's aggregate classification.
Comment: This variant is classified as likely benign based on ACMG/AMP sequence variant interpretation guidelines (Richards et al. 2015 PMID: 25741868, with internal and published modifications).

NM_181507.2(HPS5):c.597G>A (p.Leu199=)

Gene: HPS5 (HPS5 biogenesis of lysosomal organelles complex 2 subunit 2; minus strand). Cytogenetic location: 11p15.1.
Variant type: single nucleotide variant.
Coding change: c.597G>A on transcript NM_181507.2 (MANE Select); coding-DNA position 597, G replaced by A.
Protein change: p.Leu199=; no amino-acid change (leucine 199 retained).
Molecular consequence: synonymous variant.
Genome position (GRCh38, 1-based): chr11:18,308,960, C>T on the plus strand (G>A on the coding strand, the complement: HPS5 is on the minus strand). VCF-style: chr11-18308960-C-T. GRCh37 (hg19) VCF-style: chr11-18330507-C-T.
Other names: c.255G>A, p.Leu85= (NM_007216.4, NM_181508.2).
Identifiers: ClinVar variation 2862908 (VCV002862908.5), dbSNP rs144015530, ClinGen allele CA5910393.